The following is an entry in ClinVar:

ClinVar aggregate classification (germline): Uncertain significance. Review status: criteria provided, multiple submitters, no conflicts (2 of 4 stars). 6 submissions from 6 submitters: Uncertain significance (6). Last evaluated 2026-08-26.

Conditions:
Left ventricular noncompaction 10 (LVNC10). Identifiers: Orphanet 154, Orphanet 54260, MedGen C3715165, MONDO:0014163, OMIM 615396.
Hypertrophic cardiomyopathy 4. Also called: Familial hypertrophic cardiomyopathy 4. Identifiers: MedGen C1861862, MONDO:0007268, OMIM 115197.
Cardiovascular phenotype. Identifiers: MedGen CN230736.
Hypertrophic cardiomyopathy. Also called: HYPERTROPHIC MYOCARDIOPATHY. Identifiers: Orphanet 217569, MedGen C0007194, MeSH D002312, MONDO:0005045, HP:0001639.
MYBPC3-related disorder. Also called: MYBPC3-related disorders; MYBPC3-related condition; MYBPC3-related disease.
Cardiomyopathy (CMYO). Also called: Cardiomyopathies. Identifiers: Orphanet 167848, MedGen C0878544, MONDO:0004994, HP:0001638. Inheritance: Various modes of inheritance.

Allele frequency attached by ClinVar (database versions not stated): TOPMed 0.00002; gnomAD 0.00003; gnomAD exomes 0.00003; ExAC 0.00005; ESP Exome Variant Server 0.00008.
gnomAD v4.1: 36 of 1,609,818 alleles (0.0022%); highest among the groups gnomAD compares: South Asian, 0.029%; no homozygotes.

Submissions (6):

GeneDx
Classification: Uncertain significance. Last evaluated: 2026-08-26. Review status: criteria provided, single submitter. Criteria: GeneDx Variant Classification Process June 2021. Collection method: clinical testing. Allele origin: germline.
Comment: Reported in association with cardiomyopathy; however, specific clinical information was not provided (PMID: 28679633); In silico analysis suggests this variant may impact gene splicing. In the absence of RNA/functional studies, the actual effect of this sequence change is unknown.; In silico analysis suggests that this missense variant does not alter protein structure/function; This variant is associated with the following publications: (PMID: 28679633)

Labcorp Genetics (formerly Invitae), Labcorp
Classification: Uncertain significance for Hypertrophic cardiomyopathy. Last evaluated: 2026-01-27. Review status: criteria provided, single submitter. Criteria: Invitae Variant Classification Sherloc (09022015). Collection method: clinical testing. Allele origin: germline.
Comment: This sequence change replaces alanine, which is neutral and non-polar, with valine, which is neutral and non-polar, at codon 534 of the MYBPC3 protein (p.Ala534Val). This variant is present in population databases (rs374349666, gnomAD 0.02%). This missense change has been observed in individual(s) with cardiomyopathy (PMID: 28679633). ClinVar contains an entry for this variant (Variation ID: 918779). An algorithm developed to predict the effect of missense changes on protein structure and function (PolyPhen-2) suggests that this variant is likely to be tolerated. Studies have shown that this missense change does not affect mRNA splicing (PMID: 28679633). In summary, the available evidence is currently insufficient to determine the role of this variant in disease. Therefore, it has been classified as a Variant of Uncertain Significance.

PreventionGenetics, part of Exact Sciences
Classification: Uncertain significance for MYBPC3-related condition. Last evaluated: 2025-10-22. Review status: criteria provided, single submitter. Criteria: ACMG Guidelines, 2015. Collection method: clinical testing. Allele origin: germline.
Comment: The MYBPC3 c.1601C>T variant is predicted to result in the amino acid substitution p.Ala534Val. This variant was reported in an individual from a cardiomyopathy cohort and a minigene analysis was supportive for this variant causing a splicing defect (Dataset S6 in Ito et al. 2017. PubMed ID: 28679633). This variant is reported in 0.020% of alleles in individuals of South Asian descent in gnomAD and is interpreted as uncertain in ClinVar (Variation ID: 918779). Of note, an additional variant impacting the same amino acid (p.Ala534Glu) has been reported as uncertain in a computational study of MYBPC3 variants (Table S2 in Thompson et al. 2021. PubMed ID: 33782553). At this time, the clinical significance of the c.1601C>T (p.Ala534Val) variant is uncertain due to the absence of conclusive functional and genetic evidence.

Color Diagnostics, LLC DBA Color Health
Classification: Uncertain significance for Cardiomyopathy. Last evaluated: 2025-05-05. Review status: criteria provided, single submitter. Criteria: ACMG Guidelines, 2015. Collection method: clinical testing. Allele origin: germline.
Comment: This missense variant replaces alanine with valine at codon 534 of the MYBPC3 protein. Computational prediction suggests that this variant may not impact protein structure and function. Splice site prediction tools are inconclusive regarding the impact of this variant on RNA splicing. To our knowledge, RNA studies have not been reported for this variant. This variant has not been reported in individuals affected with MYBPC3-related disorders in the literature. This variant has been identified in 8/245062 chromosomes in the general population by the Genome Aggregation Database (gnomAD). The available evidence is insufficient to determine the role of this variant in disease conclusively. Therefore, this variant is classified as a Variant of Uncertain Significance.

Ambry Genetics
Classification: Uncertain significance for Cardiovascular phenotype. Last evaluated: 2024-05-02. Review status: criteria provided, single submitter. Criteria: Ambry Variant Classification Scheme 2023. Collection method: clinical testing. Allele origin: germline.
Comment: The p.A534V variant (also known as c.1601C>T), located in coding exon 17 of the MYBPC3 gene, results from a C to T substitution at nucleotide position 1601. The alanine at codon 534 is replaced by valine, an amino acid with similar properties. This amino acid position is not well conserved in available vertebrate species. In addition, this alteration is predicted to be tolerated by in silico analysis. Since supporting evidence is limited at this time, the clinical significance of this alteration remains unclear.

Fulgent Genetics
Classification: Uncertain significance for Hypertrophic cardiomyopathy 4; Left ventricular noncompaction 10. Last evaluated: 2021-12-05. Review status: criteria provided, single submitter. Criteria: ACMG Guidelines, 2015. Collection method: clinical testing. Allele origin: unknown.

Literature cited by the submitters: PubMed 28679633 (cited by Labcorp Genetics (formerly Invitae), Labcorp).

NM_000256.3(MYBPC3):c.1601C>T (p.Ala534Val)

Gene: MYBPC3 (myosin binding protein C3; minus strand). Cytogenetic location: 11p11.2.
Variant type: single nucleotide variant.
Coding change: c.1601C>T on transcript NM_000256.3 (MANE Select); coding-DNA position 1601, C replaced by T.
Protein change: p.Ala534Val; replaces alanine 534 with valine.
Molecular consequence: missense variant.
Genome position (GRCh38, 1-based): chr11:47,342,601, G>A on the plus strand (C>T on the coding strand, the complement: MYBPC3 is on the minus strand). VCF-style: chr11-47342601-G-A. GRCh37 (hg19) VCF-style: chr11-47364152-G-A.
Other names: short protein forms A534V.
Identifiers: ClinVar variation 918779 (VCV000918779.24), dbSNP rs374349666, ClinGen allele CA078197.